The following is an entry in ClinVar:

ClinVar aggregate classification (germline): Uncertain significance (1 of 4 stars; one submission).

Submission:

GeneDx
Classification: Uncertain significance. Last evaluated: 2022-11-29. Review status: criteria provided, single submitter. Criteria: GeneDx Variant Classification Process June 2021. Collection method: clinical testing. Allele origin: germline. Affected: yes.
Comment: Not observed at significant frequency in large population cohorts (gnomAD); In silico analysis supports that this missense variant does not alter protein structure/function; Has not been previously published as pathogenic or benign to our knowledge

NM_138576.4(BCL11B):c.764C>G (p.Ala255Gly)

Gene: BCL11B (BCL11 transcription factor B; minus strand). Cytogenetic location: 14q32.2.
Variant type: single nucleotide variant.
Coding change: c.764C>G on transcript NM_138576.4 (MANE Select); coding-DNA position 764, C replaced by G.
Protein change: p.Ala255Gly; replaces alanine 255 with glycine.
Molecular consequence: missense variant.
Genome position (GRCh38, 1-based): chr14:99,176,072, G>C on the plus strand (C>G on the coding strand, the complement: BCL11B is on the minus strand). VCF-style: chr14-99176072-G-C. GRCh37 (hg19) VCF-style: chr14-99642409-G-C.
Other names: c.761C>G, p.Ala254Gly (NM_001282237.2); c.548C>G, p.Ala183Gly (NM_001282238.2); c.551C>G, p.Ala184Gly (NM_022898.3); short protein forms A183G, A184G, A254G, A255G.
Identifiers: ClinVar variation 2503134 (VCV002503134.1), dbSNP rs939112330, ClinGen allele CA390936817.